The following is an entry in ClinVar:

ClinVar aggregate classification (germline): Uncertain significance (1 of 4 stars; one submission).

Conditions:
Dyskeratosis congenita, autosomal dominant 6 (DKCA6). Identifiers: Orphanet 3322, MedGen C4225284, MONDO:0014690, OMIM 616553.

Allele frequency attached by ClinVar (database versions not stated): gnomAD exomes 0.00004; 1000 Genomes Project 30x 0.00031; 1000 Genomes Project 0.00040; ExAC 0.00002.

Submission:

Labcorp Genetics (formerly Invitae), Labcorp
Classification: Uncertain significance for Dyskeratosis congenita, autosomal dominant 6. Last evaluated: 2021-01-08. Review status: criteria provided, single submitter. Criteria: Invitae Variant Classification Sherloc (09022015). Collection method: clinical testing. Allele origin: germline.
Comment: In summary, the available evidence is currently insufficient to determine the role of this variant in disease. Therefore, it has been classified as a Variant of Uncertain Significance. Algorithms developed to predict the effect of missense changes on protein structure and function (SIFT, PolyPhen-2, Align-GVGD) all suggest that this variant is likely to be tolerated, but these predictions have not been confirmed by published functional studies and their clinical significance is uncertain. This variant has not been reported in the literature in individuals with ACD-related conditions. This variant is present in population databases (rs199612237, ExAC 0.02%). This sequence change replaces arginine with histidine at codon 39 of the ACD protein (p.Arg39His). The arginine residue is weakly conserved and there is a small physicochemical difference between arginine and histidine.

NC_000016.10:g.67660363C>T

Genes: ACD (ACD shelterin complex subunit and telomerase recruitment factor; minus strand), LOC130059224 (ATAC-STARR-seq lymphoblastoid silent region 7617; plus strand). Cytogenetic location: 16q22.1.
Variant type: single nucleotide variant.
Genome position: GRCh38 VCF-style: chr16-67660363-C-T. GRCh37 (hg19) VCF-style: chr16-67694266-C-T.
Other names: short protein forms R39H.
Identifiers: ClinVar variation 854192 (VCV000854192.10), dbSNP rs199612237, ClinGen allele CA8114905.